The following is an entry in ClinVar:

NM_007294.4(BRCA1):c.4933del (p.Arg1645fs)

Gene: BRCA1 (BRCA1 DNA repair associated; minus strand). Cytogenetic location: 17q21.31.
Variant type: Deletion.
Coding change: c.4933del on transcript NM_007294.4 (MANE Select); coding-DNA position 4933, one base deleted (A; older notation c.4933delA).
Protein change: p.Arg1645fs; shifts the reading frame from arginine 1645.
Molecular consequence: frameshift variant. On other transcripts: non-coding transcript variant (1).
Genome position (GRCh38, 1-based): chr17:43,070,981, T deleted on the plus strand (A on the coding strand, the reverse complement: BRCA1 is on the minus strand); the first of 3 consecutive T bases (chr17:43,070,981-43,070,983); deleting any one gives the same sequence. VCF-style (leftmost placement, unchanged base first): chr17-43070980-CT-C. GRCh37 (hg19) VCF-style: chr17-41222997-CT-C.
Other names: c.4799delA, p.Arg1601Glyfs (NM_001407690.1, NM_001407691.1); c.4790delA, p.Arg1598Glyfs (NM_001407692.1, NM_001407694.1, NM_001407695.1 and 12 more transcripts); c.4787delA, p.Arg1597Glyfs (NM_001407732.1, NM_001407733.1, NM_001407734.1 and 21 more transcripts); c.4784delA, p.Arg1596Glyfs (NM_001407838.1, NM_001407839.1, NM_001407841.1 and 12 more transcripts); c.4931delA, p.Arg1645Glyfs (NM_001407854.1, NM_007294.3, NM_001407593.1 and 9 more transcripts); c.4928delA, p.Arg1644Glyfs (NM_001407858.1, NM_001407859.1, NM_001407860.1 and 17 more transcripts); c.4925delA, p.Arg1643Glyfs (NM_001407861.1, NM_001407627.1, NM_001407628.1 and 14 more transcripts); c.4730delA, p.Arg1578Glyfs (NM_001407862.1); and 73 more; short protein forms R1598fs, R1645fs, R1666fs, R541fs.
Identifiers: ClinVar variation 1330057 (VCV001330057.8), dbSNP rs80357833, ClinGen allele CA1139768351.

ClinVar aggregate classification (germline): Pathogenic. Review status: criteria provided, multiple submitters, no conflicts (2 of 4 stars). 2 submissions from 2 submitters: Pathogenic (2). Last evaluated 2021-02-04.

Conditions:
Hereditary breast ovarian cancer syndrome. Also called: Hereditary breast and ovarian cancer syndrome; Hereditary breast and ovarian cancer; Hereditary breast and ovarian cancer syndrome (HBOC); BRCA1- and BRCA2-Associated Hereditary Breast and Ovarian Cancer; Hereditary breast and/or ovarian cancer syndrome; Breast and ovarian cancer. Identifiers: Orphanet 145, MedGen C0677776, MeSH D061325, MONDO:0003582. Disease mechanism: loss of function.

Submissions (2):

Labcorp Genetics (formerly Invitae), Labcorp
Classification: Pathogenic for Hereditary breast ovarian cancer syndrome. Last evaluated: 2021-02-04. Review status: criteria provided, single submitter. Criteria: Invitae Variant Classification Sherloc (09022015). Collection method: clinical testing. Allele origin: germline.
Comment: For these reasons, this variant has been classified as Pathogenic. This variant has not been reported in the literature in individuals with BRCA1-related conditions. This variant is not present in population databases (ExAC no frequency). This sequence change creates a premature translational stop signal (p.Arg1645Glyfs*13) in the BRCA1 gene. It is expected to result in an absent or disrupted protein product. Loss-of-function variants in BRCA1 are known to be pathogenic (PMID: 20104584).

Quest Diagnostics Nichols Institute San Juan Capistrano
Classification: Pathogenic. Last evaluated: 2021-01-06. Review status: criteria provided, single submitter. Criteria: Quest Diagnostics criteria. Collection method: clinical testing. Allele origin: unknown.
Comment: This frameshift variant alters the translational reading frame of the BRCA1 mRNA and causes the premature termination of BRCA1 protein synthesis. This variant has been reported in individuals with breast cancer and ovarian cancer in the published literature (PMID: 32455662 (2020), SN Comprehensive Clinical Medicine (2020) 2:1012–1015). This variant has not been reported in large, multi-ethnic general populations. Based on the available information, the variant is classified as pathogenic.

Literature cited by the submitters: PubMed 20104584 (cited by Labcorp Genetics (formerly Invitae), Labcorp); PubMed 32455662 (cited by Quest Diagnostics Nichols Institute San Juan Capistrano).